The following is an entry in ClinVar:

ClinVar aggregate classification (germline): Benign (1 of 4 stars; one submission).

Allele frequency attached by ClinVar (database versions not stated): 1000 Genomes Project 30x 0.00078; 1000 Genomes Project 0.00100; gnomAD exomes 0.00011.
gnomAD v4.1: 175 of 1,611,480 alleles (0.011%); highest among the groups gnomAD compares: South Asian, 0.18%; 2 homozygotes.

Submission:

CeGaT Center for Human Genetics Tuebingen
Classification: Benign. Last evaluated: 2022-05-01. Review status: criteria provided, single submitter. Criteria: CeGaT Center For Human Genetics Tuebingen Variant Classification Criteria Version 2. Collection method: clinical testing. Allele origin: germline. Affected: yes. Observed: 1 variant allele.
Comment: PKD1: BS1, BS2

NM_001009944.3(PKD1):c.12138+15G>A

Gene: PKD1 (polycystin 1, transient receptor potential channel interacting; minus strand). Cytogenetic location: 16p13.3.
Variant type: single nucleotide variant.
Coding change: c.12138+15G>A on transcript NM_001009944.3 (MANE Select); 15 bases into the intron after coding-DNA position 12138, G replaced by A.
Molecular consequence: intron variant.
Genome position (GRCh38, 1-based): chr16:2,090,659, C>T on the plus strand (G>A on the coding strand, the complement: PKD1 is on the minus strand). VCF-style: chr16-2090659-C-T. GRCh37 (hg19) VCF-style: chr16-2140660-C-T.
Other names: c.12135+15G>A (NM_000296.4).
Identifiers: ClinVar variation 2645979 (VCV002645979.24), dbSNP rs370784448, ClinGen allele CA7828803.